The following is an entry in ClinVar:

ClinVar aggregate classification (germline): Uncertain significance (1 of 4 stars; one submission).

Submission:

Labcorp Genetics (formerly Invitae), Labcorp
Classification: Uncertain significance. Last evaluated: 2021-10-03. Review status: criteria provided, single submitter. Criteria: Invitae Variant Classification Sherloc (09022015). Collection method: clinical testing. Allele origin: germline.
Comment: Algorithms developed to predict the effect of missense changes on protein structure and function are either unavailable or do not agree on the potential impact of this missense change (SIFT: "Deleterious"; PolyPhen-2: "Not Available"; Align-GVGD: "Class C0"). This variant has not been reported in the literature in individuals affected with PCLO-related conditions. This variant is not present in population databases (ExAC no frequency). This sequence change replaces leucine with serine at codon 2164 of the PCLO protein (p.Leu2164Ser). The leucine residue is moderately conserved and there is a large physicochemical difference between leucine and serine. In summary, the available evidence is currently insufficient to determine the role of this variant in disease. Therefore, it has been classified as a Variant of Uncertain Significance.

NM_033026.6(PCLO):c.6491T>C (p.Leu2164Ser)

Gene: PCLO (piccolo presynaptic cytomatrix protein; minus strand). Cytogenetic location: 7q21.11.
Variant type: single nucleotide variant.
Coding change: c.6491T>C on transcript NM_033026.6 (MANE Select); coding-DNA position 6491, T replaced by C.
Protein change: p.Leu2164Ser; replaces leucine 2164 with serine.
Molecular consequence: missense variant.
Genome position (GRCh38, 1-based): chr7:82,954,462, A>G on the plus strand (T>C on the coding strand, the complement: PCLO is on the minus strand). VCF-style: chr7-82954462-A-G. GRCh37 (hg19) VCF-style: chr7-82583778-A-G.
Other names: c.6491T>C, p.Leu2164Ser (NM_014510.3); short protein forms L2164S.
Identifiers: ClinVar variation 1394961 (VCV001394961.6), dbSNP rs2116446073, ClinGen allele CA367919262.